The following is an entry in ClinVar:

ClinVar aggregate classification (germline): Benign (1 of 4 stars; one submission).

Conditions:
Mitochondrial complex IV deficiency, nuclear type 1 (MC4DN1). Also called: COX DEFICIENCY; Mitochondrial complex IV deficiency; Complex 4 mitochondrial respiratory chain deficiency; Deficiency of mitochondrial respiratory chain complex4; Complex IV deficiency. Identifiers: MedGen C5435656, MONDO:0700250, OMIM 220110. Disease mechanism: loss of function.

Allele frequency attached by ClinVar (database versions not stated): 1000 Genomes Project 0.12220; 1000 Genomes Project 30x 0.12586; gnomAD 0.12647 and 0.13062; TOPMed 0.13395.
gnomAD v4.1: 19,131 of 152,180 alleles (13%); highest among the groups gnomAD compares: African/African-American, 27%; 1,809 homozygotes.

Submission:

Illumina Laboratory Services, Illumina
Classification: Benign for Mitochondrial complex IV deficiency, nuclear type 1. Last evaluated: 2018-01-12. Review status: criteria provided, single submitter. Criteria: ICSL Variant Classification Criteria 13 December 2019. Collection method: clinical testing. Allele origin: germline.
Comment: This variant was observed in the ICSL laboratory as part of a predisposition screen in an ostensibly healthy population. It had not been previously curated by ICSL or reported in the Human Gene Mutation Database (HGMD: prior to June 1st, 2018), and was therefore a candidate for classification through an automated scoring system. Utilizing variant allele frequency, disease prevalence and penetrance estimates, and inheritance mode, an automated score was calculated to assess if this variant is too frequent to cause the disease. Based on the score and internal cut-off values, a variant classified as benign is not then subjected to further curation. The score for this variant resulted in a classification of benign for this disease.

NM_001136193.2(FASTKD2):c.*3005A>G

Gene: FASTKD2 (FAST kinase domains 2; plus strand). Cytogenetic location: 2q33.3.
Variant type: single nucleotide variant.
Coding change: c.*3005A>G on transcript NM_001136193.2 (MANE Select); 3005 bases downstream of the stop codon, A replaced by G.
Molecular consequence: 3 prime UTR variant.
Genome position (GRCh38, 1-based): chr2:206,794,807, A>G. VCF-style: chr2-206794807-A-G. GRCh37 (hg19) VCF-style: chr2-207659531-A-G.
Other names: c.*3005A>G (NM_001136194.2, NM_014929.4).
Identifiers: ClinVar variation 333849 (VCV000333849.5), dbSNP rs1001805, ClinGen allele CA10614014.